The following is an entry in ClinVar:

ClinVar aggregate classification (germline): Uncertain significance (1 of 4 stars; one submission).

Allele frequency attached by ClinVar (database versions not stated): TOPMed below 0.00001.
gnomAD v4.1: 3 of 1,551,658 alleles (0.00019%); highest among the groups gnomAD compares: Non-Finnish European, 0.00026%; no homozygotes.

Submission:

Labcorp Genetics (formerly Invitae), Labcorp
Classification: Uncertain significance. Last evaluated: 2022-09-19. Review status: criteria provided, single submitter. Criteria: Invitae Variant Classification Sherloc (09022015). Collection method: clinical testing. Allele origin: germline.
Comment: In summary, the available evidence is currently insufficient to determine the role of this variant in disease. Therefore, it has been classified as a Variant of Uncertain Significance. Variants that disrupt the consensus splice site are a relatively common cause of aberrant splicing (PMID: 17576681, 9536098). Algorithms developed to predict the effect of sequence changes on RNA splicing suggest that this variant is not likely to affect RNA splicing. This variant has not been reported in the literature in individuals affected with MTOR-related conditions. This variant is not present in population databases (gnomAD no frequency). This sequence change falls in intron 11 of the MTOR gene. It does not directly change the encoded amino acid sequence of the MTOR protein. It affects a nucleotide within the consensus splice site.

Literature cited by the submitters: PubMed 17576681; PubMed 9536098.

NM_004958.4(MTOR):c.1786+4A>C

Gene: MTOR (mechanistic target of rapamycin kinase; minus strand). Cytogenetic location: 1p36.22.
Variant type: single nucleotide variant.
Coding change: c.1786+4A>C on transcript NM_004958.4 (MANE Select); 4 bases into the intron after coding-DNA position 1786, A replaced by C.
Molecular consequence: intron variant.
Genome position (GRCh38, 1-based): chr1:11,240,299, T>G on the plus strand (A>C on the coding strand, the complement: MTOR is on the minus strand). VCF-style: chr1-11240299-T-G. GRCh37 (hg19) VCF-style: chr1-11300356-T-G.
Other names: c.538+4A>C (NM_001386501.1); c.1786+4A>C (NM_001386500.1).
Identifiers: ClinVar variation 2031250 (VCV002031250.4), dbSNP rs1647839042, ClinGen allele CA1153583399.
Genomic context (GRCh38, chr1:11,240,299, plus strand): 5'-CATTCCTTTCCCAAAGTTTCCAGCATCTCTCACTATCTTGGCAAGAGCCGTTGTAATTTC[T>G]TACCTTCAAATTCAAAGCTGCCAAGCGTTCGGAGGGCAAGAGTGATGCTGCCCACATCGC-3'